The following is an entry in ClinVar:

ClinVar aggregate classification (germline): Uncertain significance (1 of 4 stars; one submission).

Conditions:
Baller-Gerold syndrome (BGS). Also called: CRANIOSYNOSTOSIS WITH RADIAL DEFECTS. Identifiers: Orphanet 1225, MedGen C0265308, MONDO:0009039, OMIM 218600.

gnomAD v4.1: 1 of 1,553,630 alleles (0.000064%); highest among the groups gnomAD compares: Non-Finnish European, 0.000087%; no homozygotes.

Submission:

Labcorp Genetics (formerly Invitae), Labcorp
Classification: Uncertain significance for Baller-Gerold syndrome. Last evaluated: 2023-05-27. Review status: criteria provided, single submitter. Criteria: Invitae Variant Classification Sherloc (09022015). Collection method: clinical testing. Allele origin: germline.
Comment: In summary, the available evidence is currently insufficient to determine the role of this variant in disease. Therefore, it has been classified as a Variant of Uncertain Significance. Advanced modeling of protein sequence and biophysical properties (such as structural, functional, and spatial information, amino acid conservation, physicochemical variation, residue mobility, and thermodynamic stability) performed at Invitae indicates that this missense variant is not expected to disrupt RECQL4 protein function. This variant has not been reported in the literature in individuals affected with RECQL4-related conditions. This variant is not present in population databases (gnomAD no frequency). This sequence change replaces threonine, which is neutral and polar, with alanine, which is neutral and non-polar, at codon 139 of the RECQL4 protein (p.Thr139Ala).

NM_004260.4(RECQL4):c.415A>G (p.Thr139Ala)

Gene: RECQL4 (RecQ like helicase 4; minus strand). Cytogenetic location: 8q24.3.
Variant type: single nucleotide variant.
Coding change: c.415A>G on transcript NM_004260.4 (MANE Select); coding-DNA position 415, A replaced by G.
Protein change: p.Thr139Ala; replaces threonine 139 with alanine.
Molecular consequence: missense variant. On other transcripts: 5 prime UTR variant (13), non-coding transcript variant (3), intron variant (5).
Genome position (GRCh38, 1-based): chr8:144,516,704, T>C on the plus strand (A>G on the coding strand, the complement: RECQL4 is on the minus strand). VCF-style: chr8-144516704-T-C. GRCh37 (hg19) VCF-style: chr8-145742088-T-C.
Other names: c.415A>G, p.Thr139Ala (NM_001413017.1, NM_001413018.1, NM_001413019.1 and 4 more transcripts); c.-657A>G (NM_001413022.1, NM_001413023.1, NM_001413037.1 and 3 more transcripts); c.286A>G, p.Thr96Ala (NM_001413025.1); c.-719A>G (NM_001413027.1, NM_001413030.1, NM_001413031.1 and 1 more transcripts); c.-382A>G (NM_001413028.1); c.-561A>G (NM_001413034.1); c.-926A>G (NM_001413043.1); c.355-291A>G (NM_001413029.1); and 3 more; short protein forms T96A, T139A.
Identifiers: ClinVar variation 2737808 (VCV002737808.3), dbSNP rs1333499972, ClinGen allele CA372691570.